The following is an entry in ClinVar:

NM_000340.2(SLC2A2):c.1097G>A (p.Arg366His)

Gene: SLC2A2 (solute carrier family 2 member 2; minus strand). Cytogenetic location: 3q26.2.
Variant type: single nucleotide variant.
Coding change: c.1097G>A on transcript NM_000340.2 (MANE Select); coding-DNA position 1097, G replaced by A.
Protein change: p.Arg366His; replaces arginine 366 with histidine.
Molecular consequence: missense variant.
Genome position (GRCh38, 1-based): chr3:170,999,138, C>T on the plus strand (G>A on the coding strand, the complement: SLC2A2 is on the minus strand). VCF-style: chr3-170999138-C-T. GRCh37 (hg19) VCF-style: chr3-170716927-C-T.
Other names: c.740G>A, p.Arg247His (NM_001278658.2); c.578G>A, p.Arg193His (NM_001278659.2); short protein forms R193H, R366H, R247H.
Identifiers: ClinVar variation 1439972 (VCV001439972.7), dbSNP rs755000812, ClinGen allele CA2702486.

ClinVar aggregate classification (germline): Uncertain significance (1 of 4 stars; one submission).

Conditions:
Fanconi-Bickel syndrome (FBS). Also called: FANCONI SYNDROME WITH INTESTINAL MALABSORPTION AND GALACTOSE INTOLERANCE; HEPATIC GLYCOGENOSIS WITH AMINO ACIDURIA AND GLUCOSURIA; HEPATIC GLYCOGENOSIS WITH FANCONI NEPHROPATHY; HEPATORENAL GLYCOGENOSIS WITH RENAL FANCONI SYNDROME; Glycogen storage disease due to GLUT2 deficiency; PSEUDO-PHLORIZIN DIABETES. Identifiers: Orphanet 2088, MedGen C3495427, MONDO:0009216, OMIM 227810.

Allele frequency attached by ClinVar (database versions not stated): gnomAD 0.00001; gnomAD exomes 0.00001; TOPMed 0.00001; ExAC 0.00002.
gnomAD v4.1: 16 of 1,612,078 alleles (0.00099%); highest among the groups gnomAD compares: East Asian, 0.0045%; no homozygotes.

Submission:

Labcorp Genetics (formerly Invitae), Labcorp
Classification: Uncertain significance for Fanconi-Bickel syndrome. Last evaluated: 2024-05-20. Review status: criteria provided, single submitter. Criteria: Invitae Variant Classification Sherloc (09022015). Collection method: clinical testing. Allele origin: germline.
Comment: This sequence change replaces arginine, which is basic and polar, with histidine, which is basic and polar, at codon 366 of the SLC2A2 protein (p.Arg366His). This variant is present in population databases (rs755000812, gnomAD 0.006%). This variant has not been reported in the literature in individuals affected with SLC2A2-related conditions. ClinVar contains an entry for this variant (Variation ID: 1439972). Advanced modeling of protein sequence and biophysical properties (such as structural, functional, and spatial information, amino acid conservation, physicochemical variation, residue mobility, and thermodynamic stability) performed at Invitae indicates that this missense variant is expected to disrupt SLC2A2 protein function with a positive predictive value of 80%. In summary, the available evidence is currently insufficient to determine the role of this variant in disease. Therefore, it has been classified as a Variant of Uncertain Significance.